The following is an entry in ClinVar:

ClinVar aggregate classification (germline): Likely pathogenic (1 of 4 stars; one submission).

Conditions:
Progressive familial heart block. Identifiers: Orphanet 871, MedGen CN230454, MONDO:0019490.

Submission:

Institute Of Molecular Biology And Genetics, Federal Almazov National Medical Research Centre
Classification: Likely pathogenic for Progressive familial heart block. Last evaluated: 2017-01-29. Review status: criteria provided, single submitter. Criteria: ACMG Guidelines, 2015. Collection method: research. Allele origin: germline. Inheritance: Autosomal dominant inheritance. Affected: yes.
Comment: ECG pattern include polytopic extrasystoles, allorhythmia periods and sinus bradycardia. PMID: 27166992

NM_004415.4(DSP):c.5051A>G (p.His1684Arg)

Gene: DSP (desmoplakin; plus strand). Cytogenetic location: 6p24.3.
Variant type: single nucleotide variant.
Coding change: c.5051A>G on transcript NM_004415.4 (MANE Select); coding-DNA position 5051, A replaced by G.
Protein change: p.His1684Arg; replaces histidine 1684 with arginine.
Molecular consequence: missense variant. On other transcripts: intron variant (2).
Genome position (GRCh38, 1-based): chr6:7,581,241, A>G. VCF-style: chr6-7581241-A-G. GRCh37 (hg19) VCF-style: chr6-7581474-A-G.
Other names: c.4050+1001A>G (NM_001319034.2); c.3583-1401A>G (NM_001008844.3); short protein forms H1684R.
Identifiers: ClinVar variation 431487 (VCV000431487.2), dbSNP rs1135401735, ClinGen allele CA362687737.